The following is an entry in ClinVar:

NM_001077418.3(TMEM231):c.243C>T (p.Leu81=)

Gene: TMEM231 (transmembrane protein 231; minus strand). Cytogenetic location: 16q23.1.
Variant type: single nucleotide variant.
Coding change: c.243C>T on transcript NM_001077418.3 (MANE Select); coding-DNA position 243, C replaced by T.
Protein change: p.Leu81=; no amino-acid change (leucine 81 retained).
Molecular consequence: synonymous variant. On other transcripts: non-coding transcript variant (1).
Genome position (GRCh38, 1-based): chr16:75,555,870, G>A on the plus strand (C>T on the coding strand, the complement: TMEM231 is on the minus strand). VCF-style: chr16-75555870-G-A. GRCh37 (hg19) VCF-style: chr16-75589768-G-A.
Other names: c.402C>T, p.Leu134= (NM_001077416.2).
Identifiers: ClinVar variation 1579565 (VCV001579565.12), dbSNP rs371752653, ClinGen allele CA8176254.

ClinVar aggregate classification (germline): Likely benign. Review status: criteria provided, multiple submitters, no conflicts (2 of 4 stars). 5 submissions from 5 submitters: Likely benign (5). Last evaluated 2026-08-01.

Conditions:
TMEM231-related disorder. Also called: TMEM231-related condition.
Joubert syndrome 20 (JBTS20). Identifiers: Orphanet 475, MedGen C3554235, MONDO:0013994, OMIM 614970.
Meckel syndrome, type 11 (MKS11). Identifiers: Orphanet 564, MedGen C3809352, MONDO:0014164, OMIM 615397.

Allele frequency attached by ClinVar (database versions not stated): gnomAD exomes 0.00005; ExAC 0.00010; gnomAD 0.00014 and 0.00016; ESP Exome Variant Server 0.00016.
gnomAD v4.1: 49 of 1,590,828 alleles (0.0031%); highest among the groups gnomAD compares: African/African-American, 0.047%; 1 homozygote.

Submissions (5):

CeGaT Center for Human Genetics Tuebingen
Classification: Likely benign. Last evaluated: 2026-08-01. Review status: criteria provided, single submitter. Criteria: CeGaT Center For Human Genetics Tuebingen Variant Classification Criteria Version 2. Collection method: clinical testing. Allele origin: germline. Affected: yes. Observed: 1 variant allele.
Comment: TMEM231: BP4, BP7

PreventionGenetics, part of Exact Sciences
Classification: Likely benign for TMEM231-related condition. Last evaluated: 2025-08-25. Review status: criteria provided, single submitter. Criteria: ACMG Guidelines, 2015. Collection method: clinical testing. Allele origin: germline.
Comment: This variant is classified as likely benign based on ACMG/AMP sequence variant interpretation guidelines (Richards et al. 2015 PMID: 25741868, with internal and published modifications).

Labcorp Genetics (formerly Invitae), Labcorp
Classification: Likely benign for Joubert syndrome 20; Meckel syndrome, type 11. Last evaluated: 2025-01-12. Review status: criteria provided, single submitter. Criteria: Invitae Variant Classification Sherloc (09022015). Collection method: clinical testing. Allele origin: germline.

Blueprint Genetics
Classification: Likely benign. Last evaluated: 2022-09-10. Review status: criteria provided, single submitter. Criteria: ACMG Guidelines, 2015. Collection method: clinical testing. Allele origin: germline.

Breakthrough Genomics
Classification: Likely benign. Review status: criteria provided, single submitter. Criteria: ACMG Guidelines, 2015. Collection method: not provided. Allele origin: germline. Inheritance: Autosomal recessive inheritance. Affected: yes.